The following is an entry in ClinVar:

ClinVar aggregate classification (germline): Uncertain significance. Review status: criteria provided, multiple submitters, no conflicts (2 of 4 stars). 2 submissions from 2 submitters: Uncertain significance (2). Last evaluated 2025-07-16.

Allele frequency attached by ClinVar (database versions not stated): gnomAD 0.00001; gnomAD exomes 0.00001; TOPMed 0.00005; ExAC 0.00010.
gnomAD v4.1: 23 of 1,586,732 alleles (0.0014%); highest among the groups gnomAD compares: East Asian, 0.043%; no homozygotes.

Submissions (2):

Labcorp Genetics (formerly Invitae), Labcorp
Classification: Uncertain significance. Last evaluated: 2025-07-16. Review status: criteria provided, single submitter. Criteria: Invitae Variant Classification Sherloc (09022015). Collection method: clinical testing. Allele origin: germline.
Comment: This sequence change replaces valine, which is neutral and non-polar, with isoleucine, which is neutral and non-polar, at codon 170 of the HMCN1 protein (p.Val170Ile). The frequency data for this variant in the population databases is considered unreliable, as metrics indicate poor data quality at this position in the gnomAD database. This variant has not been reported in the literature in individuals affected with HMCN1-related conditions. ClinVar contains an entry for this variant (Variation ID: 2174910). An algorithm developed to predict the effect of missense changes on protein structure and function (PolyPhen-2) suggests that this variant is likely to be disruptive. In summary, the available evidence is currently insufficient to determine the role of this variant in disease. Therefore, it has been classified as a Variant of Uncertain Significance.

Ambry Genetics
Classification: Uncertain significance. Last evaluated: 2023-12-28. Review status: criteria provided, single submitter. Criteria: Ambry Variant Classification Scheme 2023. Collection method: clinical testing. Allele origin: germline.

NM_031935.3(HMCN1):c.508G>A (p.Val170Ile)

Gene: HMCN1 (hemicentin 1; plus strand). Cytogenetic location: 1q31.1.
Variant type: single nucleotide variant.
Coding change: c.508G>A on transcript NM_031935.3 (MANE Select); coding-DNA position 508, G replaced by A.
Protein change: p.Val170Ile; replaces valine 170 with isoleucine.
Molecular consequence: missense variant.
Genome position (GRCh38, 1-based): chr1:185,865,750, G>A. VCF-style: chr1-185865750-G-A. GRCh37 (hg19) VCF-style: chr1-185834882-G-A.
Other names: c.508G>A (NM_031935.2); short protein forms V170I.
Identifiers: ClinVar variation 2174910 (VCV002174910.5), dbSNP rs751996725, ClinGen allele CA1290873.